The following is an entry in ClinVar:

NM_003070.5(SMARCA2):c.1258C>T (p.Arg420Cys)

Gene: SMARCA2 (SWI/SNF related BAF chromatin remodeling complex subunit ATPase 2; plus strand). Cytogenetic location: 9p24.3.
Variant type: single nucleotide variant.
Coding change: c.1258C>T on transcript NM_003070.5 (MANE Select); coding-DNA position 1258, C replaced by T.
Protein change: p.Arg420Cys; replaces arginine 420 with cysteine.
Molecular consequence: missense variant.
Genome position (GRCh38, 1-based): chr9:2,056,756, C>T. VCF-style: chr9-2056756-C-T. GRCh37 (hg19) VCF-style: chr9-2056756-C-T.
Other names: c.1258C>T, p.Arg420Cys (NM_001289396.2, NM_001289397.2, NM_139045.4); short protein forms R420C.
Identifiers: ClinVar variation 2580162 (VCV002580162.2), dbSNP rs1207202747, ClinGen allele CA372781719.

ClinVar aggregate classification (germline): Likely pathogenic (1 of 4 stars; one submission).

Conditions:
Nicolaides-Baraitser syndrome (NCBRS). Also called: Intellectual disability-sparse hair-brachydactyly syndrome; SMARCA2-Related Nicolaides-Baraitser Syndrome. Identifiers: Orphanet 3051, MedGen C1303073, MONDO:0011053, OMIM 601358.

Allele frequency attached by ClinVar (database versions not stated): gnomAD exomes below 0.00001; gnomAD 0.00001.
gnomAD v4.1: 2 of 1,614,054 alleles (0.00012%); highest among the groups gnomAD compares: African/African-American, 0.0013%; no homozygotes.

Submission:

Laboratory of genome editing, Research Centre for Medical Genetics
Classification: Likely pathogenic for Nicolaides-Baraitser syndrome. Last evaluated: 2023-09-20. Review status: criteria provided, single submitter. Criteria: ACMG Guidelines, 2015. Collection method: clinical testing. Allele origin: de novo. Affected: yes. Observed: 1 heterozygote.
Comment: PS2, PM2, PP2, PP3

Literature cited by the submitters: PubMed 35887114.